The following is an entry in ClinVar:

ClinVar aggregate classification (germline): Conflicting classifications of pathogenicity. Review status: criteria provided, conflicting classifications (1 of 4 stars). 7 submissions from 7 submitters: Uncertain significance (1); Benign (2); Likely benign (4). Last evaluated 2026-01-18.

Conditions:
Tuberous sclerosis syndrome (TSC). Also called: Tuberous Sclerosis Complex; Tuberous sclerosis. Identifiers: Orphanet 805, MedGen C0041341, MONDO:0001734.
Hereditary cancer-predisposing syndrome. Also called: Hereditary neoplastic syndrome; Tumor predisposition; Hereditary Cancer Syndrome; Neoplastic Syndromes, Hereditary. Identifiers: Orphanet 140162, MedGen C0027672, MeSH D009386, MONDO:0015356.
Tuberous sclerosis 2 (TSC2). Identifiers: Orphanet 805, MedGen C1860707, MONDO:0013199, OMIM 613254.

Allele frequency attached by ClinVar (database versions not stated): gnomAD exomes below 0.00001; TOPMed below 0.00001.
gnomAD v4.1: 2 of 1,614,036 alleles (0.00012%); highest among the groups gnomAD compares: African/African-American, 0.0027%; no homozygotes.

Submissions (7):

Labcorp Genetics (formerly Invitae), Labcorp
Classification: Benign for Tuberous sclerosis 2. Last evaluated: 2026-01-18. Review status: criteria provided, single submitter. Criteria: Invitae Variant Classification Sherloc (09022015). Collection method: clinical testing. Allele origin: germline.

Color Diagnostics, LLC DBA Color Health
Classification: Likely benign for Tuberous sclerosis syndrome. Last evaluated: 2025-08-24. Review status: criteria provided, single submitter. Criteria: ACMG Guidelines, 2015. Collection method: clinical testing. Allele origin: germline.

Myriad Genetics, Inc.
Classification: Benign for Tuberous sclerosis 2. Last evaluated: 2025-04-30. Review status: criteria provided, single submitter. Criteria: Myriad Autosomal Dominant, Autosomal Recessive and X-Linked Classification Criteria (2023). Collection method: clinical testing. Allele origin: unknown.
Comment: This variant is considered benign. This variant is a silent/synonymous amino acid change and it is not expected to impact splicing.

Blueprint Genetics
Classification: Likely benign. Last evaluated: 2023-12-01. Review status: criteria provided, single submitter. Criteria: ACMG Guidelines, 2015. Collection method: clinical testing. Allele origin: germline.

Genome-Nilou Lab
Classification: Likely benign for Tuberous sclerosis 2. Last evaluated: 2021-11-07. Review status: criteria provided, single submitter. Criteria: ACMG Guidelines, 2015. Collection method: clinical testing. Allele origin: germline. Affected: no.

Ambry Genetics
Classification: Likely benign for Hereditary cancer-predisposing syndrome. Last evaluated: 2017-07-03. Review status: criteria provided, single submitter. Criteria: Ambry Variant Classification Scheme 2023. Collection method: clinical testing. Allele origin: germline.

Eurofins Ntd Llc (ga)
Classification: Uncertain significance. Last evaluated: 2016-04-08. Review status: criteria provided, single submitter. Criteria: EGL Classification Definitions 2015. Collection method: clinical testing. Allele origin: germline. Observed: 1 variant allele, 1 heterozygote.

NM_000548.5(TSC2):c.126G>A (p.Ala42=)

Gene: TSC2 (TSC complex subunit 2; plus strand). Cytogenetic location: 16p13.3.
Variant type: single nucleotide variant.
Coding change: c.126G>A on transcript NM_000548.5 (MANE Select); coding-DNA position 126, G replaced by A.
Protein change: p.Ala42=; no amino-acid change (alanine 42 retained).
Molecular consequence: synonymous variant. On other transcripts: 5 prime UTR variant (1), intron variant (1).
Genome position (GRCh38, 1-based): chr16:2,048,741, G>A. VCF-style: chr16-2048741-G-A. GRCh37 (hg19) VCF-style: chr16-2098742-G-A.
Other names: c.126G>A, p.Ala42= (NM_001077183.3, NM_001114382.3, NM_001318827.2 and 4 more transcripts); c.-101G>A (NM_001318831.2); c.159G>A, p.Ala53= (NM_001318832.2); c.-10+676G>A (NM_001318829.2).
Identifiers: ClinVar variation 287010 (VCV000287010.24), dbSNP rs886043548, ClinGen allele CA10605643.